The following is an entry in ClinVar:

NM_000548.5(TSC2):c.3247del (p.Leu1083fs)

Gene: TSC2 (TSC complex subunit 2; plus strand). Cytogenetic location: 16p13.3.
Variant type: Deletion.
Coding change: c.3247del on transcript NM_000548.5 (MANE Select); coding-DNA position 3247, one base deleted (C; older notation c.3247delC).
Protein change: p.Leu1083fs; shifts the reading frame from leucine 1083.
Molecular consequence: frameshift variant.
Genome position (GRCh38, 1-based): chr16:2,079,391, C deleted; the last of 2 consecutive C bases (chr16:2,079,390-2,079,391); deleting either gives the same sequence. VCF-style (leftmost placement, unchanged base first): chr16-2079389-GC-G. GRCh37 (hg19) VCF-style: chr16-2129390-GC-G.
Other names: c.3115del, p.Leu1039fs (NM_001077183.3, NM_001370404.1); c.3247del, p.Leu1083fs (NM_001114382.3); c.3007del, p.Leu1003fs (NM_001318827.2); c.2971del, p.Leu991fs (NM_001318829.2); c.2515del, p.Leu839fs (NM_001318831.2); c.3148del, p.Leu1050fs (NM_001318832.2); c.3118del, p.Leu1040fs (NM_001363528.2, NM_001370405.1, NM_021055.3); c.3244delC, p.Leu1082Trpfs (NM_001406663.1, NM_001406664.1); and 20 more; short protein forms L1039fs, L839fs, L1003fs, L1050fs, L991fs, L1083fs, L1040fs.
Identifiers: ClinVar variation 2013190 (VCV002013190.4), dbSNP rs2544053417, ClinGen allele CA2579986349.
Genomic context (GRCh38, chr16:2,079,389, plus strand): 5'-TTGGGAACAAGCTTGTCACTGTGACGACAAGCGTGGGAACCGGGACCCGGTCGTTACTAG[GC>G]CTGGACTCGGGGGAGCTGCAGTCCGGCCCGGAGTCGAGGTGACTGCACCTTCCTTTCCTC-3'

ClinVar aggregate classification (germline): Pathogenic (1 of 4 stars; one submission).

Conditions:
Tuberous sclerosis 2 (TSC2). Identifiers: Orphanet 805, MedGen C1860707, MONDO:0013199, OMIM 613254.

Submission:

Labcorp Genetics (formerly Invitae), Labcorp
Classification: Pathogenic for Tuberous sclerosis 2. Last evaluated: 2022-07-02. Review status: criteria provided, single submitter. Criteria: Invitae Variant Classification Sherloc (09022015). Collection method: clinical testing. Allele origin: germline.
Comment: This variant is not present in population databases (gnomAD no frequency). This sequence change creates a premature translational stop signal (p.Leu1083Trpfs*20) in the TSC2 gene. It is expected to result in an absent or disrupted protein product. Loss-of-function variants in TSC2 are known to be pathogenic (PMID: 10205261, 17304050). This variant has not been reported in the literature in individuals affected with TSC2-related conditions. For these reasons, this variant has been classified as Pathogenic.

Literature cited by the submitters: PubMed 10205261; PubMed 17304050.